The following is an entry in ClinVar:

ClinVar aggregate classification (germline): Uncertain significance (1 of 4 stars; one submission).

Submission:

Labcorp Genetics (formerly Invitae), Labcorp
Classification: Uncertain significance. Last evaluated: 2023-04-09. Review status: criteria provided, single submitter. Criteria: Invitae Variant Classification Sherloc (09022015). Collection method: clinical testing. Allele origin: germline.
Comment: In summary, the available evidence is currently insufficient to determine the role of this variant in disease. Therefore, it has been classified as a Variant of Uncertain Significance. Advanced modeling of protein sequence and biophysical properties (such as structural, functional, and spatial information, amino acid conservation, physicochemical variation, residue mobility, and thermodynamic stability) performed at Invitae indicates that this missense variant is not expected to disrupt MCM5 protein function. This variant has not been reported in the literature in individuals affected with MCM5-related conditions. This variant is present in population databases (no rsID available, gnomAD 0.0009%). This sequence change replaces serine, which is neutral and polar, with phenylalanine, which is neutral and non-polar, at codon 116 of the MCM5 protein (p.Ser116Phe).

NM_006739.4(MCM5):c.347C>T (p.Ser116Phe)

Gene: MCM5 (minichromosome maintenance complex component 5; plus strand). Cytogenetic location: 22q12.3.
Variant type: single nucleotide variant.
Coding change: c.347C>T on transcript NM_006739.4 (MANE Select); coding-DNA position 347, C replaced by T.
Protein change: p.Ser116Phe; replaces serine 116 with phenylalanine.
Molecular consequence: missense variant.
Genome position (GRCh38, 1-based): chr22:35,403,466, C>T. VCF-style: chr22-35403466-C-T. GRCh37 (hg19) VCF-style: chr22-35799459-C-T.
Other names: short protein forms S116F.
Identifiers: ClinVar variation 2786107 (VCV002786107.3), dbSNP rs777273291, ClinGen allele CA411360205.